The following is an entry in ClinVar:

NM_198514.4(NHLRC2):c.1824G>A (p.Ala608=)

Gene: NHLRC2 (NHL repeat containing 2; plus strand). Cytogenetic location: 10q25.3.
Variant type: single nucleotide variant.
Coding change: c.1824G>A on transcript NM_198514.4 (MANE Select); coding-DNA position 1824, G replaced by A.
Protein change: p.Ala608=; no amino-acid change (alanine 608 retained).
Molecular consequence: synonymous variant.
Genome position (GRCh38, 1-based): chr10:113,904,936, G>A. VCF-style: chr10-113904936-G-A. GRCh37 (hg19) VCF-style: chr10-115664695-G-A.
Identifiers: ClinVar variation 4980601 (VCV004980601.1).

ClinVar aggregate classification (germline): Likely benign (1 of 4 stars; one submission).

Conditions:
NHLRC2-related disorder. Also called: NHLRC2-related condition.

Submission:

PreventionGenetics, part of Exact Sciences
Classification: Likely benign for NHLRC2-related condition. Last evaluated: 2026-05-14. Review status: criteria provided, single submitter. Criteria: ACMG Guidelines, 2015. Collection method: clinical testing. Allele origin: germline.
Comment: This variant is classified as likely benign based on ACMG/AMP sequence variant interpretation guidelines (Richards et al. 2015 PMID: 25741868, with internal and published modifications).